The following is an entry in ClinVar:

NM_005198.5(CHKB):c.516G>A (p.Ala172=)

Genes: CHKB-CPT1B (CHKB-CPT1B readthrough (NMD candidate); minus strand), CHKB (choline kinase beta; minus strand). Cytogenetic location: 22q13.33.
Variant type: single nucleotide variant.
Coding change: c.516G>A on transcript NM_005198.5 (MANE Select); coding-DNA position 516, G replaced by A.
Protein change: p.Ala172=; no amino-acid change (alanine 172 retained).
Molecular consequence: synonymous variant. On other transcripts: non-coding transcript variant (1).
Genome position (GRCh38, 1-based): chr22:50,581,485, C>T on the plus strand (G>A on the coding strand, the complement: CHKB is on the minus strand). VCF-style: chr22-50581485-C-T. GRCh37 (hg19) VCF-style: chr22-51019914-C-T.
Identifiers: ClinVar variation 514225 (VCV000514225.11), dbSNP rs200220080, ClinGen allele CA10323755.

ClinVar aggregate classification (germline): Likely benign. Review status: criteria provided, multiple submitters, no conflicts (2 of 4 stars). 3 submissions from 3 submitters: Likely benign (2). 1 of the submissions does not count toward it. Last evaluated 2025-03-11.

Conditions:
Megaconial type congenital muscular dystrophy (MDCMC). Also called: CHKB-Related Muscular Dystrophy; CHKB-Related Muscle Diseases; MUSCULAR DYSTROPHY, CONGENITAL, WITH MITOCHONDRIAL STRUCTURAL ABNORMALITIES. Identifiers: Orphanet 280671, MedGen C1865233, MONDO:0011246, OMIM 602541.
CHKB-related disorder. Also called: CHKB-related condition.

Allele frequency attached by ClinVar (database versions not stated): gnomAD 0.00001 and 0.00003; gnomAD exomes 0.00002 and 0.00007; TOPMed 0.00005; ExAC 0.00008; ESP Exome Variant Server 0.00008; 1000 Genomes Project 30x 0.00031; 1000 Genomes Project 0.00040.
gnomAD v4.1: 43 of 1,613,920 alleles (0.0027%); highest among the groups gnomAD compares: East Asian, 0.04%; no homozygotes.

Submissions (3):

Labcorp Genetics (formerly Invitae), Labcorp
Classification: Likely benign for Megaconial type congenital muscular dystrophy. Last evaluated: 2025-03-11. Review status: criteria provided, single submitter. Criteria: Invitae Variant Classification Sherloc (09022015). Collection method: clinical testing. Allele origin: germline.

GeneDx
Classification: Likely benign. Last evaluated: 2017-12-27. Review status: criteria provided, single submitter. Criteria: GeneDx Variant Classification (06012015). Collection method: clinical testing. Allele origin: germline. Affected: yes.
Comment: This variant is considered likely benign or benign based on one or more of the following criteria: it is a conservative change, it occurs at a poorly conserved position in the protein, it is predicted to be benign by multiple in silico algorithms, and/or has population frequency not consistent with disease.

PreventionGenetics, part of Exact Sciences
Classification: Likely benign for CHKB-related condition. Last evaluated: 2019-09-03. Review status: no assertion criteria provided. Collection method: clinical testing. Allele origin: germline. Not counted in ClinVar's aggregate classification.
Comment: This variant is classified as likely benign based on ACMG/AMP sequence variant interpretation guidelines (Richards et al. 2015 PMID: 25741868, with internal and published modifications).